The following is an entry in ClinVar:

NM_207352.4(CYP4V2):c.*1638G>A

Genes: CYP4V2 (cytochrome P450 family 4 subfamily V member 2; plus strand), KLKB1 (kallikrein B1; plus strand). Cytogenetic location: 4q35.2.
Variant type: single nucleotide variant.
Coding change: c.*1638G>A on transcript NM_207352.4 (MANE Select); 1638 bases downstream of the stop codon, G replaced by A.
Molecular consequence: 3 prime UTR variant.
Genome position (GRCh38, 1-based): chr4:186,212,279, G>A. VCF-style: chr4-186212279-G-A. GRCh37 (hg19) VCF-style: chr4-187133433-G-A.
Identifiers: ClinVar variation 348354 (VCV000348354.8), dbSNP rs72646300, ClinGen allele CA10620642.

ClinVar aggregate classification (germline): Benign/Likely benign. Review status: criteria provided, multiple submitters, no conflicts (2 of 4 stars). 4 submissions from 3 submitters: Benign (1); Likely benign (3). Last evaluated 2021-05-12.

Conditions:
Corneal dystrophy. Identifiers: Orphanet 34533, MedGen C0010036, MONDO:0018102, HP:0001131.
Bietti crystalline corneoretinal dystrophy (BCD). Also called: Bietti Crystalline Dystrophy; BIETTI TAPETORETINAL DEGENERATION WITH MARGINAL CORNEAL DYSTROPHY. Identifiers: Orphanet 41751, MedGen C1859486, MONDO:0008865, OMIM 210370.

Allele frequency attached by ClinVar (database versions not stated): gnomAD 0.07160 and 0.07687; 1000 Genomes Project 0.07728; TOPMed 0.07985; 1000 Genomes Project 30x 0.08276.

Submissions (4):

GeneDx
Classification: Benign. Last evaluated: 2021-05-12. Review status: criteria provided, single submitter. Criteria: GeneDx Variant Classification Process June 2021. Collection method: clinical testing. Allele origin: germline. Affected: yes.

Illumina Laboratory Services, Illumina
Classification: Likely benign for Bietti crystalline corneoretinal dystrophy. Last evaluated: 2017-04-27. Review status: criteria provided, single submitter. Criteria: ICSL Variant Classification Criteria 13 December 2019. Collection method: clinical testing. Allele origin: germline.
Comment: This variant was observed as part of a predisposition screen in an ostensibly healthy population. A literature search was performed for the gene, cDNA change, and amino acid change (where applicable). No publications were found based on this search. Allele frequency data from public databases allowed determination this variant is unlikely to cause disease. Therefore, this variant is classified as likely benign.

Illumina Laboratory Services, Illumina
Classification: Likely benign for Corneal dystrophy. Last evaluated: 2017-04-27. Review status: criteria provided, single submitter. Criteria: ICSL Variant Classification Criteria 13 December 2019. Collection method: clinical testing. Allele origin: germline.
Comment: the same text as in the submission from Illumina Laboratory Services, Illumina above.

Breakthrough Genomics
Classification: Likely benign. Review status: criteria provided, single submitter. Criteria: ACMG Guidelines, 2015. Collection method: not provided. Allele origin: germline. Inheritance: Autosomal recessive inheritance. Affected: yes.